The following is an entry in ClinVar:

ClinVar aggregate classification (germline): Uncertain significance (1 of 4 stars; one submission).

Conditions:
Early Myoclonic Encephalopathy. Identifiers: MedGen C0270855.

Allele frequency attached by ClinVar (database versions not stated): TOPMed below 0.00001; gnomAD exomes 0.00002.
gnomAD v4.1: 24 of 1,613,988 alleles (0.0015%); highest among the groups gnomAD compares: East Asian, 0.051%; no homozygotes.

Submission:

Labcorp Genetics (formerly Invitae), Labcorp
Classification: Uncertain significance for Early Myoclonic Encephalopathy. Last evaluated: 2020-10-13. Review status: criteria provided, single submitter. Criteria: Invitae Variant Classification Sherloc (09022015). Collection method: clinical testing. Allele origin: germline.
Comment: This sequence change replaces serine with leucine at codon 1430 of the JMJD1C protein (p.Ser1430Leu). The serine residue is weakly conserved and there is a large physicochemical difference between serine and leucine. This variant is not present in population databases (ExAC no frequency). This variant has not been reported in the literature in individuals with JMJD1C-related conditions. Algorithms developed to predict the effect of missense changes on protein structure and function output the following: SIFT: "Tolerated"; PolyPhen-2: "Benign"; Align-GVGD: "Class C0". The leucine amino acid residue is found in multiple mammalian species, suggesting that this missense change does not adversely affect protein function. These predictions have not been confirmed by published functional studies and their clinical significance is uncertain. In summary, the available evidence is currently insufficient to determine the role of this variant in disease. Therefore, it has been classified as a Variant of Uncertain Significance.

NM_032776.3(JMJD1C):c.4289C>T (p.Ser1430Leu)

Gene: JMJD1C (jumonji domain containing 1C; minus strand). Cytogenetic location: 10q21.3.
Variant type: single nucleotide variant.
Coding change: c.4289C>T on transcript NM_032776.3 (MANE Select); coding-DNA position 4289, C replaced by T.
Protein change: p.Ser1430Leu; replaces serine 1430 with leucine.
Molecular consequence: missense variant. On other transcripts: non-coding transcript variant (1).
Genome position (GRCh38, 1-based): chr10:63,207,380, G>A on the plus strand (C>T on the coding strand, the complement: JMJD1C is on the minus strand). VCF-style: chr10-63207380-G-A. GRCh37 (hg19) VCF-style: chr10-64967140-G-A.
Other names: c.3743C>T, p.Ser1248Leu (NM_001282948.2, NM_001318154.2); c.3425C>T, p.Ser1142Leu (NM_001318153.2); c.4175C>T, p.Ser1392Leu (NM_001322252.2); c.3632C>T, p.Ser1211Leu (NM_001322254.2, NM_001322258.2); short protein forms S1142L, S1211L, S1248L, S1392L, S1430L.
Identifiers: ClinVar variation 1061403 (VCV001061403.9), dbSNP rs1234215500, ClinGen allele CA377038102.